The following is an entry in ClinVar:

NM_001277115.2(DNAH11):c.4364_4365delinsCT (p.Leu1455Pro)

Gene: DNAH11 (dynein axonemal heavy chain 11; plus strand). Cytogenetic location: 7p15.3.
Variant type: Indel.
Coding change: c.4364_4365delinsCT on transcript NM_001277115.2 (MANE Select); coding-DNA positions 4364 to 4365, TG replaced by CT.
Protein change: p.Leu1455Pro; replaces leucine 1455 with proline.
Molecular consequence: missense variant.
Genome position (GRCh38, 1-based): chr7:21,619,209-21,619,210, TG replaced by CT. VCF-style: chr7-21619209-TG-CT. GRCh37 (hg19) VCF-style: chr7-21658827-TG-CT.
Other names: c.4379_4380delTGinsCT, p.Leu1460Pro (NM_003777.3); short protein forms L1455P, L1460P.
Identifiers: ClinVar variation 2413383 (VCV002413383.2), dbSNP rs2534707506, ClinGen allele CA2580076956.

ClinVar aggregate classification (germline): Uncertain significance (1 of 4 stars; one submission).

Conditions:
Primary ciliary dyskinesia. Also called: Ciliary dyskinesia. Identifiers: Orphanet 244, MedGen C0008780, MONDO:0016575, HP:0012265.

Submission:

Labcorp Genetics (formerly Invitae), Labcorp
Classification: Uncertain significance for Primary ciliary dyskinesia. Last evaluated: 2022-07-04. Review status: criteria provided, single submitter. Criteria: Invitae Variant Classification Sherloc (09022015). Collection method: clinical testing. Allele origin: germline.
Comment: This sequence change replaces leucine, which is neutral and non-polar, with proline, which is neutral and non-polar, at codon 1455 of the DNAH11 protein (p.Leu1455Pro). Information on the frequency of this variant in the gnomAD database is not available, as this variant may be reported differently in the database. This missense change has been observed in individual(s) with clinical features of primary ciliary dyskinesia (Invitae). In at least one individual the data is consistent with being in trans (on the opposite chromosome) from a pathogenic variant. Algorithms developed to predict the effect of missense changes on protein structure and function are either unavailable or do not agree on the potential impact of this missense change (SIFT: "Not Available"; PolyPhen-2: "Possibly Damaging"; Align-GVGD: "Not Available"). In summary, the available evidence is currently insufficient to determine the role of this variant in disease. Therefore, it has been classified as a Variant of Uncertain Significance.